The following is an entry in ClinVar:

NM_183235.3(RAB27A):c.652G>T (p.Ala218Ser)

Gene: RAB27A (RAB27A, member RAS oncogene family; minus strand). Cytogenetic location: 15q21.3.
Variant type: single nucleotide variant.
Coding change: c.652G>T on transcript NM_183235.3 (MANE Select); coding-DNA position 652, G replaced by T.
Protein change: p.Ala218Ser; replaces alanine 218 with serine.
Molecular consequence: missense variant.
Genome position (GRCh38, 1-based): chr15:55,205,521, C>A on the plus strand (G>T on the coding strand, the complement: RAB27A is on the minus strand). VCF-style: chr15-55205521-C-A. GRCh37 (hg19) VCF-style: chr15-55497719-C-A.
Other names: p.Ala218Ser; c.652G>T, p.Ala218Ser (NM_001438970.1, NM_001438972.1, NM_001438973.1 and 11 more transcripts); short protein forms A218S.
Identifiers: ClinVar variation 4541951 (VCV004541951.1).

ClinVar aggregate classification (germline): Uncertain significance (1 of 4 stars; one submission).

gnomAD v4.1: 1 of 1,614,026 alleles (0.000062%); highest among the groups gnomAD compares: Non-Finnish European, 0.000085%; no homozygotes.

Submission:

Mayo Clinic Laboratories, Mayo Clinic
Classification: Uncertain significance. Last evaluated: 2025-09-30. Review status: criteria provided, single submitter. Criteria: ACMG Guidelines, 2015. Collection method: clinical testing. Allele origin: germline. Observed: 1 variant allele.
Comment: BP4_moderate, PM2_supporting